The following is an entry in ClinVar:

NM_001017979.3(RAB28):c.391+3A>G

Gene: RAB28 (RAB28, member RAS oncogene family; minus strand). Cytogenetic location: 4p15.33.
Variant type: single nucleotide variant.
Coding change: c.391+3A>G on transcript NM_001017979.3 (MANE Select); 3 bases into the intron after coding-DNA position 391, A replaced by G.
Molecular consequence: intron variant.
Genome position (GRCh38, 1-based): chr4:13,460,696, T>C on the plus strand (A>G on the coding strand, the complement: RAB28 is on the minus strand). VCF-style: chr4-13460696-T-C. GRCh37 (hg19) VCF-style: chr4-13462320-T-C.
Other names: c.391+3A>G (NM_004249.4, NM_001159601.2).
Identifiers: ClinVar variation 850745 (VCV000850745.8), dbSNP rs375840543, ClinGen allele CA92460636.

ClinVar aggregate classification (germline): Uncertain significance. Review status: criteria provided, multiple submitters, no conflicts (2 of 4 stars). 2 submissions from 2 submitters: Uncertain significance (2). Last evaluated 2023-08-17.

Allele frequency attached by ClinVar (database versions not stated): gnomAD exomes 0.00001 and 0.00002; TOPMed 0.00001; gnomAD 0.00002; ESP Exome Variant Server 0.00008.
gnomAD v4.1: 31 of 1,613,800 alleles (0.0019%); highest among the groups gnomAD compares: Non-Finnish European, 0.0023%; no homozygotes.

Submissions (2):

Labcorp Genetics (formerly Invitae), Labcorp
Classification: Uncertain significance. Last evaluated: 2023-08-17. Review status: criteria provided, single submitter. Criteria: Invitae Variant Classification Sherloc (09022015). Collection method: clinical testing. Allele origin: germline.
Comment: This sequence change falls in intron 4 of the RAB28 gene. It does not directly change the encoded amino acid sequence of the RAB28 protein. It affects a nucleotide within the consensus splice site. This variant is present in population databases (rs375840543, gnomAD 0.002%). This variant has not been reported in the literature in individuals affected with RAB28-related conditions. ClinVar contains an entry for this variant (Variation ID: 850745). Variants that disrupt the consensus splice site are a relatively common cause of aberrant splicing (PMID: 17576681, 9536098). Algorithms developed to predict the effect of sequence changes on RNA splicing suggest that this variant may disrupt the consensus splice site. In summary, the available evidence is currently insufficient to determine the role of this variant in disease. Therefore, it has been classified as a Variant of Uncertain Significance.

Blueprint Genetics
Classification: Uncertain significance. Last evaluated: 2019-09-11. Review status: criteria provided, single submitter. Criteria: ACMG Guidelines, 2015. Collection method: clinical testing. Allele origin: germline.

Literature cited by the submitters: PubMed 17576681 (cited by Labcorp Genetics (formerly Invitae), Labcorp); PubMed 9536098 (cited by Labcorp Genetics (formerly Invitae), Labcorp).